The following is an entry in ClinVar:

ClinVar aggregate classification (germline): Uncertain significance. Review status: criteria provided, multiple submitters, no conflicts (2 of 4 stars). 2 submissions from 2 submitters: Uncertain significance (2). Last evaluated 2025-07-12.

Conditions:
Inborn genetic diseases. Identifiers: MedGen C0950123, MeSH D030342.

Submissions (2):

Ambry Genetics
Classification: Uncertain significance for Inborn genetic diseases. Last evaluated: 2025-07-12. Review status: criteria provided, single submitter. Criteria: Ambry Variant Classification Scheme 2023. Collection method: clinical testing. Allele origin: germline.

Labcorp Genetics (formerly Invitae), Labcorp
Classification: Uncertain significance. Last evaluated: 2020-11-24. Review status: criteria provided, single submitter. Criteria: Invitae Variant Classification Sherloc (09022015). Collection method: clinical testing. Allele origin: germline.
Comment: This sequence change replaces threonine with alanine at codon 374 of the GRM6 protein (p.Thr374Ala). The threonine residue is weakly conserved and there is a small physicochemical difference between threonine and alanine. This variant is not present in population databases (ExAC no frequency). This variant has not been reported in the literature in individuals with GRM6-related conditions. Algorithms developed to predict the effect of missense changes on protein structure and function output the following: SIFT: "Tolerated"; PolyPhen-2: "Benign"; Align-GVGD: "Class C0". The alanine amino acid residue is found in multiple mammalian species, suggesting that this missense change does not adversely affect protein function. These predictions have not been confirmed by published functional studies and their clinical significance is uncertain. In summary, the available evidence is currently insufficient to determine the role of this variant in disease. Therefore, it has been classified as a Variant of Uncertain Significance.

NM_000843.4(GRM6):c.1120A>G (p.Thr374Ala)

Genes: GRM6 (glutamate metabotropic receptor 6; minus strand), ZNF454 (zinc finger protein 454; plus strand). Cytogenetic location: 5q35.3.
Variant type: single nucleotide variant.
Coding change: c.1120A>G on transcript NM_000843.4 (MANE Select); coding-DNA position 1120, A replaced by G.
Protein change: p.Thr374Ala; replaces threonine 374 with alanine.
Molecular consequence: missense variant.
Genome position (GRCh38, 1-based): chr5:178,989,298, T>C on the plus strand (A>G on the coding strand, the complement: GRM6 is on the minus strand). VCF-style: chr5-178989298-T-C. GRCh37 (hg19) VCF-style: chr5-178416299-T-C.
Other names: short protein forms T374A.
Identifiers: ClinVar variation 860720 (VCV000860720.10), dbSNP rs888547944, ClinGen allele CA133027932.